The following is an entry in ClinVar:

ClinVar aggregate classification (germline): Uncertain significance (1 of 4 stars; one submission).

Submission:

CeGaT Center for Human Genetics Tuebingen
Classification: Uncertain significance. Last evaluated: 2026-09-01. Review status: criteria provided, single submitter. Criteria: CeGaT Center For Human Genetics Tuebingen Variant Classification Criteria Version 2. Collection method: clinical testing. Allele origin: germline. Affected: yes. Observed: 1 variant allele.
Comment: ASH1L: PM2

NM_018489.3(ASH1L):c.3563T>A (p.Ile1188Asn)

Gene: ASH1L (ASH1 like histone lysine methyltransferase; minus strand). Cytogenetic location: 1q22.
Variant type: single nucleotide variant.
Coding change: c.3563T>A on transcript NM_018489.3 (MANE Select); coding-DNA position 3563, T replaced by A.
Protein change: p.Ile1188Asn; replaces isoleucine 1188 with asparagine.
Molecular consequence: missense variant.
Genome position (GRCh38, 1-based): chr1:155,479,307, A>T on the plus strand (T>A on the coding strand, the complement: ASH1L is on the minus strand). VCF-style: chr1-155479307-A-T. GRCh37 (hg19) VCF-style: chr1-155449098-A-T.
Other names: c.3563T>A, p.Ile1188Asn (NM_001366177.2); short protein forms I1188N.
Identifiers: ClinVar variation 5040698 (VCV005040698.1).